The following is an entry in ClinVar:

ClinVar aggregate classification (germline): Uncertain significance (1 of 4 stars; one submission).

Conditions:
Anauxetic dysplasia. Identifiers: Orphanet 93347, MedGen C1846796, MONDO:0011773.

Submission:

Labcorp Genetics (formerly Invitae), Labcorp
Classification: Uncertain significance for Anauxetic dysplasia. Last evaluated: 2024-02-24. Review status: criteria provided, single submitter. Criteria: Invitae Variant Classification Sherloc (09022015). Collection method: clinical testing. Allele origin: germline.
Comment: This variant occurs in the RMRP gene, which encodes an RNA molecule that does not result in a protein product. This variant is present in population databases (no rsID available, gnomAD 0.03%). This variant has not been reported in the literature in individuals affected with RMRP-related conditions. Experimental studies and prediction algorithms are not available or were not evaluated, and the functional significance of this variant is currently unknown. In summary, the available evidence is currently insufficient to determine the role of this variant in disease. Therefore, it has been classified as a Variant of Uncertain Significance.

NC_000009.12:g.35658076T>G

Gene: RMRP (RNA component of mitochondrial RNA processing endoribonuclease; minus strand). Cytogenetic location: 9p13.3.
Variant type: single nucleotide variant.
Genome position: GRCh38 VCF-style: chr9-35658076-T-G. GRCh37 (hg19) VCF-style: chr9-35658073-T-G.
Identifiers: ClinVar variation 1053310 (VCV001053310.8), dbSNP rs545125827, ClinGen allele CA192745800.